The following is an entry in ClinVar:

ClinVar aggregate classification (germline): Uncertain significance (1 of 4 stars; one submission).

Conditions:
Inborn genetic diseases. Identifiers: MedGen C0950123, MeSH D030342.

Submission:

Ambry Genetics
Classification: Uncertain significance for Inborn genetic diseases. Last evaluated: 2026-07-18. Review status: criteria provided, single submitter. Criteria: Ambry Variant Classification Scheme 2023. Collection method: clinical testing. Allele origin: germline.
Comment: The p.A113G variant (also known as c.338C>G), located in coding exon 1 of the CEBPA gene, results from a C to G substitution at nucleotide position 338. The alanine at codon 113 is replaced by glycine, an amino acid with similar properties. This amino acid position is conserved. In addition, this alteration is predicted to be tolerated by in silico analysis. Based on the available evidence, the clinical significance of this variant remains unclear.

NM_004364.5(CEBPA):c.338C>G (p.Ala113Gly)

Gene: CEBPA (CCAAT enhancer binding protein alpha; minus strand). Cytogenetic location: 19q13.11.
Variant type: single nucleotide variant.
Coding change: c.338C>G on transcript NM_004364.5 (MANE Select); coding-DNA position 338, C replaced by G.
Protein change: p.Ala113Gly; replaces alanine 113 with glycine.
Molecular consequence: missense variant. On other transcripts: 5 prime UTR variant (1).
Genome position (GRCh38, 1-based): chr19:33,302,077, G>C on the plus strand (C>G on the coding strand, the complement: CEBPA is on the minus strand). VCF-style: chr19-33302077-G-C. GRCh37 (hg19) VCF-style: chr19-33792983-G-C.
Other names: c.-20C>G (NM_001285829.2); c.443C>G, p.Ala148Gly (NM_001287424.2); c.296C>G, p.Ala99Gly (NM_001287435.2); short protein forms A113G, A148G, A99G.
Identifiers: ClinVar variation 5034302 (VCV005034302.1).